The following is an entry in ClinVar:

ClinVar aggregate classification (germline): Uncertain significance (1 of 4 stars; one submission).

Conditions:
Immunodeficiency 39 (IMD39). Identifiers: Orphanet 574918, MedGen C4225358, MONDO:0014597, OMIM 616345.

Submission:

Labcorp Genetics (formerly Invitae), Labcorp
Classification: Uncertain significance for Immunodeficiency 39. Last evaluated: 2024-01-14. Review status: criteria provided, single submitter. Criteria: Invitae Variant Classification Sherloc (09022015). Collection method: clinical testing. Allele origin: germline.
Comment: This sequence change creates a premature translational stop signal (p.Ala264Argfs*155) in the IRF7 gene. It is expected to result in an absent or disrupted protein product. However, the current clinical and genetic evidence is not sufficient to establish whether loss-of-function variants in IRF7 cause disease. This variant is not present in population databases (gnomAD no frequency). This variant has not been reported in the literature in individuals affected with IRF7-related conditions. ClinVar contains an entry for this variant (Variation ID: 1018214). In summary, the available evidence is currently insufficient to determine the role of this variant in disease. Therefore, it has been classified as a Variant of Uncertain Significance.

NM_001572.5(IRF7):c.738_750dup (p.Ala251fs)

Gene: IRF7 (interferon regulatory factor 7; minus strand). Cytogenetic location: 11p15.5.
Variant type: Duplication.
Coding change: c.738_750dup on transcript NM_001572.5 (MANE Select); coding-DNA positions 738 to 750, 13 bases duplicated (CGGGCCCCAGCCC).
Protein change: p.Ala251fs; shifts the reading frame from alanine 251.
Molecular consequence: frameshift variant. On other transcripts: intron variant (1).
Genome position (GRCh38, 1-based): chr11:613,967-613,979, GGGCTGGGGCCCG duplicated on the plus strand (CGGGCCCCAGCCC on the coding strand, the reverse complement: IRF7 is on the minus strand); duplicating any 13 consecutive bases within chr11:613,967-613,988 gives the same sequence; the c. name uses the placement nearest the transcript's 3' end. VCF-style (leftmost placement, unchanged base first): chr11-613966-C-CGGGCTGGGGCCCG. GRCh37 (hg19) VCF-style: chr11-613966-C-CGGGCTGGGGCCCG.
Other names: c.777_789dup, p.Ala264fs (NM_004031.4); c.680-114_680-102dup (NM_004029.4); short protein forms A251fs, A264fs.
Identifiers: ClinVar variation 1018214 (VCV001018214.6), dbSNP rs779826882, ClinGen allele CA1947202931.